The following is an entry in ClinVar:

ClinVar aggregate classification (germline): Uncertain significance (1 of 4 stars; one submission).

Conditions:
Congenital myasthenic syndrome 20. Also called: Myasthenic syndrome, congenital, 20, presynaptic. Identifiers: MedGen C4310694, MONDO:0014939, OMIM 617143.
Neuronopathy, distal hereditary motor, type 7A. Also called: HARPER-YOUNG MYOPATHY; HMN VIIA; Neuronopathy, distal hereditary motor, type viia; NEURONOPATHY, DISTAL HEREDITARY MOTOR, HARDING TYPE VIIA; NEUROPATHY, DISTAL HEREDITARY MOTOR, HARDING TYPE VIIA; Neuronopathy, distal hereditary motor, autosomal dominant 7. Identifiers: Orphanet 139589, MedGen C1834703, MONDO:0008024, OMIM 158580.

Allele frequency attached by ClinVar (database versions not stated): ExAC 0.00001.

Submission:

Labcorp Genetics (formerly Invitae), Labcorp
Classification: Uncertain significance for Neuronopathy, distal hereditary motor, type 7A; Congenital myasthenic syndrome 20. Last evaluated: 2024-04-01. Review status: criteria provided, single submitter. Criteria: Invitae Variant Classification Sherloc (09022015). Collection method: clinical testing. Allele origin: germline.
Comment: This sequence change replaces isoleucine, which is neutral and non-polar, with phenylalanine, which is neutral and non-polar, at codon 167 of the SLC5A7 protein (p.Ile167Phe). This variant is not present in population databases (gnomAD no frequency). This variant has not been reported in the literature in individuals affected with SLC5A7-related conditions. ClinVar contains an entry for this variant (Variation ID: 2192862). Advanced modeling of protein sequence and biophysical properties (such as structural, functional, and spatial information, amino acid conservation, physicochemical variation, residue mobility, and thermodynamic stability) performed at Invitae indicates that this missense variant is not expected to disrupt SLC5A7 protein function with a negative predictive value of 80%. In summary, the available evidence is currently insufficient to determine the role of this variant in disease. Therefore, it has been classified as a Variant of Uncertain Significance.

NM_021815.5(SLC5A7):c.499A>T (p.Ile167Phe)

Gene: SLC5A7 (solute carrier family 5 member 7; plus strand). Cytogenetic location: 2q12.3.
Variant type: single nucleotide variant.
Coding change: c.499A>T on transcript NM_021815.5 (MANE Select); coding-DNA position 499, A replaced by T.
Protein change: p.Ile167Phe; replaces isoleucine 167 with phenylalanine.
Molecular consequence: missense variant. On other transcripts: 5 prime UTR variant (1).
Genome position (GRCh38, 1-based): chr2:107,997,888, A>T. VCF-style: chr2-107997888-A-T. GRCh37 (hg19) VCF-style: chr2-108614344-A-T.
Other names: c.499A>T, p.Ile167Phe (NM_001305005.3); c.184A>T, p.Ile62Phe (NM_001305006.3); c.-206A>T (NM_001305007.3); short protein forms I62F, I167F.
Identifiers: ClinVar variation 2192862 (VCV002192862.4), dbSNP rs778459202, ClinGen allele CA1818985.
Genomic context (GRCh38, chr2:107,997,888, plus strand): 5'-TTTGTTTCAGGAGCCACCATCAGCGTGATCATCGATGTGGATATGCACATTTCTGTCATC[A>T]TCTCTGCACTCATTGCCACTCTGTACACACTGGTGGGAGGGCTCTATTCTGTGGCCTACA-3'
Protein context (NP_068587.1, residues 157-177): IDVDMHISVI[Ile167Phe]SALIATLYTL